The following is an entry in ClinVar:

ClinVar aggregate classification (germline): Likely benign. Review status: criteria provided, multiple submitters, no conflicts (2 of 4 stars). 3 submissions from 3 submitters: Likely benign (2). 1 of the submissions does not count toward it. Last evaluated 2024-11-08.

Conditions:
POU6F2-related disorder. Also called: POU6F2-related condition.

Allele frequency attached by ClinVar (database versions not stated): gnomAD exomes 0.00096; gnomAD 0.00111; 1000 Genomes Project 30x 0.00187.
gnomAD v4.1: 1,581 of 1,601,858 alleles (0.099%); highest among the groups gnomAD compares: South Asian, 0.65%; 2 homozygotes.

Submissions (3):

Blueprint Genetics
Classification: Likely benign. Last evaluated: 2024-11-08. Review status: criteria provided, single submitter. Criteria: ACMG Guidelines, 2015. Collection method: clinical testing. Allele origin: germline.

Labcorp Genetics (formerly Invitae), Labcorp
Classification: Likely benign. Last evaluated: 2018-10-17. Review status: criteria provided, single submitter. Criteria: Invitae Variant Classification Sherloc (09022015). Collection method: clinical testing. Allele origin: germline.

PreventionGenetics, part of Exact Sciences
Classification: Likely benign for POU6F2-related condition. Last evaluated: 2023-04-12. Review status: no assertion criteria provided. Collection method: clinical testing. Allele origin: germline. Not counted in ClinVar's aggregate classification.
Comment: This variant is classified as likely benign based on ACMG/AMP sequence variant interpretation guidelines (Richards et al. 2015 PMID: 25741868, with internal and published modifications).

NM_001370959.1(POU6F2):c.638T>G (p.Leu213Arg)

Gene: POU6F2 (POU class 6 homeobox 2; plus strand). Cytogenetic location: 7p14.1.
Variant type: single nucleotide variant.
Coding change: c.638T>G on transcript NM_001370959.1 (MANE Select); coding-DNA position 638, T replaced by G.
Protein change: p.Leu213Arg; replaces leucine 213 with arginine.
Molecular consequence: missense variant.
Genome position (GRCh38, 1-based): chr7:39,339,681, T>G. VCF-style: chr7-39339681-T-G. GRCh37 (hg19) VCF-style: chr7-39379280-T-G.
Other names: c.551T>G, p.Leu184Arg (NM_001166018.2, NM_007252.4); short protein forms L184R, L213R.
Identifiers: ClinVar variation 713595 (VCV000713595.6), dbSNP rs566759150, ClinGen allele CA4227573.